The following is an entry in ClinVar:

NM_000135.4(FANCA):c.236_239del (p.Asp79fs)

Gene: FANCA (FA complementation group A; minus strand). Cytogenetic location: 16q24.3.
Variant type: Deletion.
Coding change: c.236_239del on transcript NM_000135.4 (MANE Select); coding-DNA positions 236 to 239, 4 bases deleted (ACTG; older notation c.236_239delACTG).
Protein change: p.Asp79fs; shifts the reading frame from aspartic acid 79.
Molecular consequence: frameshift variant.
Genome position (GRCh38, 1-based): chr16:89,814,564-89,814,567, CAGT deleted on the plus strand (ACTG on the coding strand, the reverse complement: FANCA is on the minus strand); deleting any 4 consecutive bases within chr16:89,814,564-89,814,569 gives the same sequence; the c. name uses the placement nearest the transcript's 3' end. VCF-style (leftmost placement, unchanged base first): chr16-89814563-ACAGT-A. GRCh37 (hg19) VCF-style: chr16-89880971-ACAGT-A.
Other names: c.236_239del, p.Asp79fs (NM_001018112.3, NM_001286167.3, NM_001351830.2); c.236_239delACTG (NM_000135.3); short protein forms D79fs.
Identifiers: ClinVar variation 803294 (VCV000803294.8), dbSNP rs1336033143, ClinGen allele CA624274782.

ClinVar aggregate classification (germline): Pathogenic. Review status: criteria provided, multiple submitters, no conflicts (2 of 4 stars). 3 submissions from 3 submitters: Pathogenic (3). Last evaluated 2025-08-07.

Conditions:
Fanconi anemia (FA). Also called: Fanconi's anemia. Identifiers: Orphanet 84, MedGen C0015625, MeSH D005199, MONDO:0019391.
Fanconi anemia complementation group A (FANCA). Also called: Fanconi anemia, group A; FANCA-Related Fanconi Anemia. Identifiers: Orphanet 84, MedGen C3469521, MONDO:0009215, OMIM 227650.

Submissions (3):

Natera, Inc.
Classification: Pathogenic for Fanconi anemia. Last evaluated: 2025-08-07. Review status: criteria provided, single submitter. Criteria: Natera Variant Classification Schema (03/2026). Collection method: clinical testing. Allele origin: germline.
Comment: The c.236_239delACTG variant in FANCA is a frameshift variant predicted to shift the reading frame beginning at codon 79 and leads to a stop codon 15 codons downstream. This variant is expected to result in nonsense mediated decay, truncation, or a dysfunctional protein product. This variant is rare in the general population with a frequency below the threshold expected for the associated phenotype(s). This variant has been observed in one or more individuals affected with the associated recessive disease, as either homozygous or compound heterozygous with a second variant (PMID: 36463940). Given the available evidence, this variant is classified as Pathogenic.

Labcorp Genetics (formerly Invitae), Labcorp
Classification: Pathogenic for Fanconi anemia. Last evaluated: 2023-11-19. Review status: criteria provided, single submitter. Criteria: Invitae Variant Classification Sherloc (09022015). Collection method: clinical testing. Allele origin: germline.
Comment: This sequence change creates a premature translational stop signal (p.Asp79Valfs*15) in the FANCA gene. It is expected to result in an absent or disrupted protein product. Loss-of-function variants in FANCA are known to be pathogenic (PMID: 19367192). This variant is present in population databases (no rsID available, gnomAD 0.003%). This variant has not been reported in the literature in individuals affected with FANCA-related conditions. ClinVar contains an entry for this variant (Variation ID: 803294). Algorithms developed to predict the effect of sequence changes on RNA splicing suggest that this variant may disrupt the consensus splice site. For these reasons, this variant has been classified as Pathogenic.

Mendelics
Classification: Pathogenic for Fanconi anemia complementation group A. Last evaluated: 2019-05-28. Review status: criteria provided, single submitter. Criteria: Mendelics Assertion Criteria 2017. Collection method: clinical testing. Allele origin: unknown.

Literature cited by the submitters: PubMed 36463940 (cited by Natera, Inc.); PubMed 19367192 (cited by Labcorp Genetics (formerly Invitae), Labcorp).